The following is an entry in ClinVar:

NM_003640.5(ELP1):c.2958+1G>A

Gene: ELP1 (elongator acetyltransferase complex subunit 1; minus strand). Cytogenetic location: 9q31.3.
Variant type: single nucleotide variant.
Coding change: c.2958+1G>A on transcript NM_003640.5 (MANE Select); the canonical splice donor site of the intron after coding-DNA position 2958, G replaced by A.
Molecular consequence: splice donor variant.
Genome position (GRCh38, 1-based): chr9:108,892,985, C>T on the plus strand (G>A on the coding strand, the complement: ELP1 is on the minus strand). VCF-style: chr9-108892985-C-T. GRCh37 (hg19) VCF-style: chr9-111655265-C-T.
Other names: c.2958+1G>A (NM_003640.4); c.2616+1G>A (NM_001318360.2); c.1911+1G>A (NM_001330749.2).
Identifiers: ClinVar variation 665204 (VCV000665204.10), dbSNP rs1239081703, ClinGen allele CA374418168.

ClinVar aggregate classification (germline): Likely pathogenic. Review status: criteria provided, multiple submitters, no conflicts (2 of 4 stars). 2 submissions from 2 submitters: Likely pathogenic (2). Last evaluated 2024-09-17.

Conditions:
Familial dysautonomia. Also called: HSAN III; FD. Identifiers: Orphanet 1764, MedGen C0013364, MONDO:0009131, OMIM 223900. Disease mechanism: loss of function.

Allele frequency attached by ClinVar (database versions not stated): gnomAD 0.00001.
gnomAD v4.1: 5 of 1,606,710 alleles (0.00031%); highest among the groups gnomAD compares: Non-Finnish European, 0.000085%; no homozygotes.

Submissions (2):

Natera, Inc.
Classification: Likely pathogenic for Familial dysautonomia. Last evaluated: 2024-09-17. Review status: criteria provided, single submitter. Criteria: Natera Variant Classification Schema (03/2026). Collection method: clinical testing. Allele origin: germline.
Comment: The c.2958+1G>A variant in ELP1 is a canonical splice donor site variant predicted to affect pre-mRNA splicing, which may result in an abnormal transcript and altered protein product. This variant is expected to result in nonsense mediated decay, truncation, or a dysfunctional protein product. This variant is rare in the general population with a frequency below the threshold expected for the associated phenotype(s). Given the available evidence, this variant is classified as Likely Pathogenic.

Labcorp Genetics (formerly Invitae), Labcorp
Classification: Likely pathogenic. Last evaluated: 2024-01-17. Review status: criteria provided, single submitter. Criteria: Invitae Variant Classification Sherloc (09022015). Collection method: clinical testing. Allele origin: germline.
Comment: This sequence change affects a donor splice site in intron 27 of the ELP1 gene. It is expected to disrupt RNA splicing. Variants that disrupt the donor or acceptor splice site typically lead to a loss of protein function (PMID: 16199547), and loss-of-function variants in ELP1 are known to be pathogenic (PMID: 18303054, 24173031). This variant is present in population databases (no rsID available, gnomAD 0.03%). This variant has not been reported in the literature in individuals affected with ELP1-related conditions. ClinVar contains an entry for this variant (Variation ID: 665204). Algorithms developed to predict the effect of sequence changes on RNA splicing suggest that this variant may disrupt the consensus splice site. In summary, the currently available evidence indicates that the variant is pathogenic, but additional data are needed to prove that conclusively. Therefore, this variant has been classified as Likely Pathogenic.

Literature cited by the submitters: PubMed 16199547 (cited by Labcorp Genetics (formerly Invitae), Labcorp); PubMed 18303054 (cited by Labcorp Genetics (formerly Invitae), Labcorp); PubMed 24173031 (cited by Labcorp Genetics (formerly Invitae), Labcorp).